The following is an entry in ClinVar:

NM_001042492.3(NF1):c.6883_6898del (p.Val2295fs)

Gene: NF1 (neurofibromin 1; plus strand). Cytogenetic location: 17q11.2.
Variant type: Deletion.
Coding change: c.6883_6898del on transcript NM_001042492.3 (MANE Select); coding-DNA positions 6883 to 6898, 16 bases deleted (GTAATAGCACTAACCA).
Protein change: p.Val2295fs; shifts the reading frame from valine 2295.
Molecular consequence: frameshift variant.
Genome position (GRCh38, 1-based): chr17:31,338,767-31,338,782, GTAATAGCACTAACCA deleted; deleting any 16 consecutive bases within chr17:31,338,765-31,338,782 gives the same sequence; the c. name uses the placement nearest the transcript's 3' end. VCF-style (leftmost placement, unchanged base first): chr17-31338764-ACAGTAATAGCACTAAC-A. GRCh37 (hg19) VCF-style: chr17-29665782-ACAGTAATAGCACTAAC-A.
Other names: c.6820_6835del16, p.Val2274Asnfs (NM_000267.4); short protein forms V2295fs, V2274fs.
Identifiers: ClinVar variation 1416572 (VCV001416572.6), dbSNP rs2151559296, ClinGen allele CA2573153879.

ClinVar aggregate classification (germline): Pathogenic (1 of 4 stars; one submission).

Conditions:
Neurofibromatosis, type 1 (NF1). Also called: Peripheral type neurofibromatosis; Neurofibromatosis, type I; VON RECKLINGHAUSEN DISEASE; NEUROFIBROMATOSIS, TYPE I, SOMATIC. Identifiers: Orphanet 636, MedGen C0027831, MONDO:0018975, OMIM 162200. Disease mechanism: loss of function.

Submission:

Labcorp Genetics (formerly Invitae), Labcorp
Classification: Pathogenic for Neurofibromatosis, type 1. Last evaluated: 2022-10-04. Review status: criteria provided, single submitter. Criteria: Invitae Variant Classification Sherloc (09022015). Collection method: clinical testing. Allele origin: germline.
Comment: This sequence change creates a premature translational stop signal (p.Val2274Asnfs*19) in the NF1 gene. It is expected to result in an absent or disrupted protein product. Loss-of-function variants in NF1 are known to be pathogenic (PMID: 10712197, 23913538). This variant is not present in population databases (gnomAD no frequency). This variant has not been reported in the literature in individuals affected with NF1-related conditions. ClinVar contains an entry for this variant (Variation ID: 1416572). For these reasons, this variant has been classified as Pathogenic.

Literature cited by the submitters: PubMed 10712197; PubMed 23913538.